The following is an entry in ClinVar:

ClinVar aggregate classification (germline): Uncertain significance. Review status: criteria provided, multiple submitters, no conflicts (2 of 4 stars). 2 submissions from 2 submitters: Uncertain significance (2). Last evaluated 2024-10-30.

Conditions:
Early-infantile DEE. Also called: Ohtahara syndrome; Early infantile epileptic encephalopathy with suppression bursts; Early infantile epileptic encephalopathy. Identifiers: Orphanet 1934, MedGen C0393706, MONDO:0800491.
Inborn genetic diseases. Identifiers: MedGen C0950123, MeSH D030342.

Allele frequency attached by ClinVar (database versions not stated): TOPMed below 0.00001.
gnomAD v4.1: 2 of 1,610,702 alleles (0.00012%); highest among the groups gnomAD compares: Non-Finnish European, 0.00017%; no homozygotes.

Submissions (2):

Labcorp Genetics (formerly Invitae), Labcorp
Classification: Uncertain significance for Early-infantile DEE. Last evaluated: 2024-10-30. Review status: criteria provided, single submitter. Criteria: Invitae Variant Classification Sherloc (09022015). Collection method: clinical testing. Allele origin: germline.
Comment: This sequence change replaces threonine, which is neutral and polar, with isoleucine, which is neutral and non-polar, at codon 1100 of the CACNA2D2 protein (p.Thr1100Ile). This variant is not present in population databases (gnomAD no frequency). This variant has not been reported in the literature in individuals affected with CACNA2D2-related conditions. ClinVar contains an entry for this variant (Variation ID: 1405666). An algorithm developed to predict the effect of missense changes on protein structure and function (PolyPhen-2) suggests that this variant is likely to be disruptive. In summary, the available evidence is currently insufficient to determine the role of this variant in disease. Therefore, it has been classified as a Variant of Uncertain Significance.

Ambry Genetics
Classification: Uncertain significance for Inborn genetic diseases. Last evaluated: 2022-08-12. Review status: criteria provided, single submitter. Criteria: Ambry Variant Classification Scheme 2023. Collection method: clinical testing. Allele origin: germline.

NM_006030.4(CACNA2D2):c.3299C>T (p.Thr1100Ile)

Genes: CACNA2D2 (calcium voltage-gated channel auxiliary subunit alpha2delta 2; minus strand), LOC127898564 (CYB561D2-LOC101928965; plus strand). Cytogenetic location: 3p21.31.
Variant type: single nucleotide variant.
Coding change: c.3299C>T on transcript NM_006030.4 (MANE Select); coding-DNA position 3299, C replaced by T.
Protein change: p.Thr1100Ile; replaces threonine 1100 with isoleucine.
Molecular consequence: missense variant.
Genome position (GRCh38, 1-based): chr3:50,364,799, G>A on the plus strand (C>T on the coding strand, the complement: CACNA2D2 is on the minus strand). VCF-style: chr3-50364799-G-A. GRCh37 (hg19) VCF-style: chr3-50402230-G-A.
Other names: c.3320C>T (NM_001174051.1); c.3305C>T, p.Thr1102Ile (NM_001005505.3); c.3320C>T, p.Thr1107Ile (NM_001174051.3); c.3098C>T, p.Thr1033Ile (NM_001291101.1); short protein forms T1033I, T1100I, T1102I, T1107I.
Identifiers: ClinVar variation 1405666 (VCV001405666.8), dbSNP rs144632207, ClinGen allele CA352961193.